The following is an entry in ClinVar:

ClinVar aggregate classification (germline): Uncertain significance (1 of 4 stars; one submission).

Submission:

Labcorp Genetics (formerly Invitae), Labcorp
Classification: Uncertain significance. Last evaluated: 2023-07-17. Review status: criteria provided, single submitter. Criteria: Invitae Variant Classification Sherloc (09022015). Collection method: clinical testing. Allele origin: germline.
Comment: An algorithm developed to predict the effect of missense changes on protein structure and function (PolyPhen-2) suggests that this variant¬†is likely to be tolerated. This sequence change replaces valine, which is neutral and non-polar, with alanine, which is neutral and non-polar, at codon 50 of the LRAT protein (p.Val50Ala). This variant is not present in population databases (gnomAD no frequency). This variant has not been reported in the literature in individuals affected with LRAT-related conditions. ClinVar contains an entry for this variant (Variation ID: 1477077). In summary, the available evidence is currently insufficient to determine the role of this variant in disease. Therefore, it has been classified as a Variant of Uncertain Significance.

NM_004744.5(LRAT):c.149T>C (p.Val50Ala)

Gene: LRAT (lecithin retinol acyltransferase; plus strand). Cytogenetic location: 4q32.1.
Variant type: single nucleotide variant.
Coding change: c.149T>C on transcript NM_004744.5 (MANE Select); coding-DNA position 149, T replaced by C.
Protein change: p.Val50Ala; replaces valine 50 with alanine.
Molecular consequence: missense variant.
Genome position (GRCh38, 1-based): chr4:154,744,475, T>C. VCF-style: chr4-154744475-T-C. GRCh37 (hg19) VCF-style: chr4-155665627-T-C.
Other names: c.149T>C, p.Val50Ala (NM_001301645.2); short protein forms V50A.
Identifiers: ClinVar variation 1477077 (VCV001477077.4), dbSNP rs1384466058, ClinGen allele CA358630085.
Genomic context (GRCh38, chr4:154,744,475, plus strand): 5'-CGGGCGAAGACAAAGGGAGGAACAGTTTTTATGAAACCAGCTCTTTCCACCGAGGCGACG[T>C]GCTGGAGGTGCCCCGGACCCACCTGACCCACTATGGCATCTACCTAGGAGACAACCGTGT-3'
Protein context (NP_004735.2, residues 40-60): YETSSFHRGD[Val50Ala]LEVPRTHLTH